The following is an entry in ClinVar:

ClinVar aggregate classification (germline): Pathogenic. Review status: criteria provided, multiple submitters, no conflicts (2 of 4 stars). 2 submissions from 2 submitters: Pathogenic (2). Last evaluated 2024-04-22.

Conditions:
Hereditary cancer-predisposing syndrome. Also called: Neoplastic Syndromes, Hereditary; Tumor predisposition; Hereditary Cancer Syndrome; Hereditary neoplastic syndrome. Identifiers: Orphanet 140162, MedGen C0027672, MeSH D009386, MONDO:0015356.

Submissions (2):

Labcorp Genetics (formerly Invitae), Labcorp
Classification: Pathogenic for Hereditary cancer-predisposing syndrome. Last evaluated: 2024-04-22. Review status: criteria provided, single submitter. Criteria: Invitae Variant Classification Sherloc (09022015). Collection method: clinical testing. Allele origin: germline.
Comment: This sequence change creates a premature translational stop signal (p.Thr119Leufs*11) in the RAD50 gene. It is expected to result in an absent or disrupted protein product. Loss-of-function variants in RAD50 are known to be pathogenic (PMID: 19409520). This variant is present in population databases (rs769991580, gnomAD 0.003%). This variant has not been reported in the literature in individuals affected with RAD50-related conditions. ClinVar contains an entry for this variant (Variation ID: 141403). For these reasons, this variant has been classified as Pathogenic.

Ambry Genetics
Classification: Pathogenic for Hereditary cancer-predisposing syndrome. Last evaluated: 2023-04-28. Review status: criteria provided, single submitter. Criteria: Ambry Variant Classification Scheme 2023. Collection method: clinical testing. Allele origin: germline.
Comment: The c.354delT pathogenic mutation, located in coding exon 3 of the RAD50 gene, results from a deletion of one nucleotide at nucleotide position 354, causing a translational frameshift with a predicted alternate stop codon (p.T119Lfs*11). This alteration is expected to result in loss of function by premature protein truncation or nonsense-mediated mRNA decay. As such, this alteration is interpreted as a disease-causing mutation.

Literature cited by the submitters: PubMed 19409520 (cited by Labcorp Genetics (formerly Invitae), Labcorp).

NM_005732.4(RAD50):c.354del (p.Thr119fs)

Gene: RAD50 (RAD50 double strand break repair protein; plus strand). Cytogenetic location: 5q31.1.
Variant type: Deletion.
Coding change: c.354del on transcript NM_005732.4 (MANE Select); coding-DNA position 354, one base deleted (T; older notation c.354delT).
Protein change: p.Thr119fs; shifts the reading frame from threonine 119.
Molecular consequence: frameshift variant.
Genome position (GRCh38, 1-based): chr5:132,575,917, T deleted; the last of 2 consecutive T bases (chr5:132,575,916-132,575,917); deleting either gives the same sequence. VCF-style (leftmost placement, unchanged base first): chr5-132575915-AT-A. GRCh37 (hg19) VCF-style: chr5-131911607-AT-A.
Other names: c.354del (NM_005732.3); short protein forms T119fs.
Identifiers: ClinVar variation 141403 (VCV000141403.14), dbSNP rs587781721, ClinGen allele CA165331.
Genomic context (GRCh38, chr5:132,575,915, plus strand): 5'-AGATCTATGGTGTGTACTCAGAAAAGCAAAAAGACAGAATTTAAAACTCTGGAAGGAGTC[AT>A]TACTAGAACAAAGTAGGTGTTTATATGATATTTGAATTTCTGTTCATTTTCAGTCTTTTA-3'